The following is an entry in ClinVar:

NM_006502.3(POLH):c.*1129A>T

Gene: POLH (DNA polymerase eta; plus strand). Cytogenetic location: 6p21.1.
Variant type: single nucleotide variant.
Coding change: c.*1129A>T on transcript NM_006502.3 (MANE Select); 1129 bases downstream of the stop codon, A replaced by T.
Molecular consequence: 3 prime UTR variant.
Genome position (GRCh38, 1-based): chr6:43,615,686, A>T. VCF-style: chr6-43615686-A-T. GRCh37 (hg19) VCF-style: chr6-43583423-A-T.
Other names: NC_000006.11:g.43583423A>T; c.*1129A>T (NM_001291969.2); c.*1955A>T (NM_001291970.2).
Identifiers: ClinVar variation 356936 (VCV000356936.8), dbSNP rs28877272, ClinGen allele CA10622169.

ClinVar aggregate classification (germline): Benign (1 of 4 stars; one submission).

Conditions:
Xeroderma pigmentosum variant type. Also called: POLH-Related Xeroderma Pigmentosum; PHOTOSENSITIVITY WITH DEFECTIVE DNA SYNTHESIS; XERODERMA PIGMENTOSUM WITH NORMAL DNA REPAIR RATES. Identifiers: Orphanet 90342, MedGen C1848410, MONDO:0010214, OMIM 278750.

Allele frequency attached by ClinVar (database versions not stated): gnomAD 0.03336 and 0.03612; 1000 Genomes Project 30x 0.03701; TOPMed 0.03831; 1000 Genomes Project 0.03874.

Submissions (3):

Illumina Laboratory Services, Illumina
Classification: Benign for Xeroderma pigmentosum variant type. Last evaluated: 2018-01-13. Review status: criteria provided, single submitter. Criteria: ICSL Variant Classification Criteria 13 December 2019. Collection method: clinical testing. Allele origin: germline.
Comment: This variant was observed in the ICSL laboratory as part of a predisposition screen in an ostensibly healthy population. It had not been previously curated by ICSL or reported in the Human Gene Mutation Database (HGMD: prior to June 1st, 2018), and was therefore a candidate for classification through an automated scoring system. Utilizing variant allele frequency, disease prevalence and penetrance estimates, and inheritance mode, an automated score was calculated to assess if this variant is too frequent to cause the disease. Based on the score and internal cut-off values, a variant classified as benign is not then subjected to further curation. The score for this variant resulted in a classification of benign for this disease.

Dr. Peter K. Rogan Lab, Western University
No classification provided (evidence only). Condition: Ovarian serous cystadenocarcinoma. Review status: no classification provided. Collection method: in vitro. Allele origin: not applicable. Functional consequence: retained intron. Not counted in ClinVar's aggregate classification.

Dr. Peter K. Rogan Lab, Western University
No classification provided (evidence only). Condition: Ovarian serous cystadenocarcinoma. Review status: no classification provided. Collection method: in vitro. Allele origin: not applicable. Functional consequence: retained intron. Not counted in ClinVar's aggregate classification.